The following is an entry in ClinVar:

ClinVar aggregate classification (germline): Likely benign. Review status: criteria provided, single submitter (1 of 4 stars). 2 submissions from 2 submitters: Likely benign (1). 1 of the submissions does not count toward it. Last evaluated 2025-04-21.

Conditions:
Hyperammonemic encephalopathy due to carbonic anhydrase VA deficiency. Also called: Carbonic Anhydrase VA Deficiency; Carbonic anhydrase VA deficiency, hyperammonemia due to. Identifiers: Orphanet 401948, MedGen C4706871, MONDO:0014332, OMIM 615751.
CA5A-related disorder. Also called: CA5A-related condition.

Allele frequency attached by ClinVar (database versions not stated): TOPMed 0.00003; gnomAD 0.00004 and 0.00005; gnomAD exomes 0.00011; ExAC 0.00014; 1000 Genomes Project 30x 0.00016; 1000 Genomes Project 0.00020.
gnomAD v4.1: 44 of 1,528,642 alleles (0.0029%); highest among the groups gnomAD compares: East Asian, 0.083%; no homozygotes.

Submissions (2):

Labcorp Genetics (formerly Invitae), Labcorp
Classification: Likely benign for Hyperammonemic encephalopathy due to carbonic anhydrase VA deficiency. Last evaluated: 2025-04-21. Review status: criteria provided, single submitter. Criteria: Invitae Variant Classification Sherloc (09022015). Collection method: clinical testing. Allele origin: germline.

PreventionGenetics, part of Exact Sciences
Classification: Likely benign for CA5A-related condition. Last evaluated: 2020-11-02. Review status: no assertion criteria provided. Collection method: clinical testing. Allele origin: germline. Not counted in ClinVar's aggregate classification.
Comment: This variant is classified as likely benign based on ACMG/AMP sequence variant interpretation guidelines (Richards et al. 2015 PMID: 25741868, with internal and published modifications).

NM_001739.2(CA5A):c.619-7C>T

Gene: CA5A (carbonic anhydrase 5A; minus strand). Cytogenetic location: 16q24.2.
Variant type: single nucleotide variant.
Coding change: c.619-7C>T on transcript NM_001739.2 (MANE Select); 7 bases into the intron before coding-DNA position 619, C replaced by T.
Molecular consequence: intron variant.
Genome position (GRCh38, 1-based): chr16:87,891,961, G>A on the plus strand (C>T on the coding strand, the complement: CA5A is on the minus strand). VCF-style: chr16-87891961-G-A. GRCh37 (hg19) VCF-style: chr16-87925567-G-A.
Other names: c.619-7C>T (NM_001367225.1, NM_001739.1).
Identifiers: ClinVar variation 1578446 (VCV001578446.10), dbSNP rs558522180, ClinGen allele CA8223342.